The following is an entry in ClinVar:

NM_001430.5(EPAS1):c.136A>T (p.Ser46Cys)

Gene: EPAS1 (endothelial PAS domain protein 1; plus strand). Cytogenetic location: 2p21.
Variant type: single nucleotide variant.
Coding change: c.136A>T on transcript NM_001430.5 (MANE Select); coding-DNA position 136, A replaced by T.
Protein change: p.Ser46Cys; replaces serine 46 with cysteine.
Molecular consequence: missense variant.
Genome position (GRCh38, 1-based): chr2:46,346,982, A>T. VCF-style: chr2-46346982-A-T. GRCh37 (hg19) VCF-style: chr2-46574121-A-T.
Other names: short protein forms S46C.
Identifiers: ClinVar variation 2588615 (VCV002588615.2), dbSNP rs2546439957, ClinGen allele CA346697104.

ClinVar aggregate classification (germline): Uncertain significance (1 of 4 stars; one submission).

Conditions:
Inborn genetic diseases. Identifiers: MedGen C0950123, MeSH D030342.

Submission:

Ambry Genetics
Classification: Uncertain significance for Inborn genetic diseases. Last evaluated: 2023-08-13. Review status: criteria provided, single submitter. Criteria: Ambry Variant Classification Scheme 2023. Collection method: clinical testing. Allele origin: germline.
Comment: The p.S46C variant (also known as c.136A>T), located in coding exon 2 of the EPAS1 gene, results from an A to T substitution at nucleotide position 136. The serine at codon 46 is replaced by cysteine, an amino acid with dissimilar properties. This amino acid position is conserved. In addition, this alteration is predicted to be tolerated by in silico analysis. Since supporting evidence is limited at this time, the clinical significance of this alteration remains unclear.